The following is an entry in ClinVar:

ClinVar aggregate classification (germline): Benign (1 of 4 stars; one submission).

Conditions:
Mendelian susceptibility to mycobacterial diseases due to partial STAT1 deficiency. Also called: IMMUNODEFICIENCY 31A, MYCOBACTERIOSIS, AUTOSOMAL DOMINANT; STAT1 DEFICIENCY, AUTOSOMAL DOMINANT; Immunodeficiency 31a. Identifiers: Orphanet 319595, MedGen C4013950, MONDO:0013956, OMIM 614892.

Allele frequency attached by ClinVar (database versions not stated): gnomAD 0.00008 and 0.00073; TOPMed 0.00017; gnomAD exomes 0.00176; 1000 Genomes Project 30x 0.00406; 1000 Genomes Project 0.00439.
gnomAD v4.1: 117 of 157,130 alleles (0.074%); highest among the groups gnomAD compares: South Asian, 2%; 2 homozygotes.

Submission:

Illumina Laboratory Services, Illumina
Classification: Benign for Mendelian susceptibility to mycobacterial diseases due to partial STAT1 deficiency. Last evaluated: 2018-01-12. Review status: criteria provided, single submitter. Criteria: ICSL Variant Classification Criteria 13 December 2019. Collection method: clinical testing. Allele origin: germline.
Comment: This variant was observed in the ICSL laboratory as part of a predisposition screen in an ostensibly healthy population. It had not been previously curated by ICSL or reported in the Human Gene Mutation Database (HGMD: prior to June 1st, 2018), and was therefore a candidate for classification through an automated scoring system. Utilizing variant allele frequency, disease prevalence and penetrance estimates, and inheritance mode, an automated score was calculated to assess if this variant is too frequent to cause the disease. Based on the score and internal cut-off values, a variant classified as benign is not then subjected to further curation. The score for this variant resulted in a classification of benign for this disease.

NM_007315.4(STAT1):c.*661T>C

Gene: STAT1 (signal transducer and activator of transcription 1; minus strand). Cytogenetic location: 2q32.2.
Variant type: single nucleotide variant.
Coding change: c.*661T>C on transcript NM_007315.4 (MANE Select); 661 bases downstream of the stop codon, T replaced by C.
Molecular consequence: 3 prime UTR variant.
Genome position (GRCh38, 1-based): chr2:190,970,042, A>G on the plus strand (T>C on the coding strand, the complement: STAT1 is on the minus strand). VCF-style: chr2-190970042-A-G. GRCh37 (hg19) VCF-style: chr2-191834768-A-G.
Other names: c.*661T>C (NM_001384880.1, NM_001384881.1, NM_001384882.1 and 9 more transcripts).
Identifiers: ClinVar variation 333257 (VCV000333257.5), dbSNP rs45449693, ClinGen allele CA10611864.